The following is an entry in ClinVar:

NM_001379291.1(BRD4):c.2158+2292C>T

Gene: BRD4 (bromodomain containing 4; minus strand). Cytogenetic location: 19p13.12.
Variant type: single nucleotide variant.
Coding change: c.2158+2292C>T on transcript NM_001379291.1 (MANE Select); 2292 bases into the intron after coding-DNA position 2158, C replaced by T.
Molecular consequence: intron variant.
Genome position (GRCh38, 1-based): chr19:15,251,860, G>A on the plus strand (C>T on the coding strand, the complement: BRD4 is on the minus strand). VCF-style: chr19-15251860-G-A. GRCh37 (hg19) VCF-style: chr19-15362671-G-A.
Other names: c.2158+2292C>T (NM_058243.3, NM_001379292.1, NM_014299.3).
Identifiers: ClinVar variation 1711472 (VCV001711472.30), dbSNP rs148136503, ClinGen allele CA305797802.

ClinVar aggregate classification (germline): Benign (1 of 4 stars; one submission).

Allele frequency attached by ClinVar (database versions not stated): 1000 Genomes Project 0.00220; 1000 Genomes Project 30x 0.00375; TOPMed 0.00728; gnomAD 0.00956.
gnomAD v4.1: 1,437 of 152,318 alleles (0.94%); highest among the groups gnomAD compares: Non-Finnish European, 1.5%; 12 homozygotes.

Submission:

CeGaT Center for Human Genetics Tuebingen
Classification: Benign. Last evaluated: 2026-09-01. Review status: criteria provided, single submitter. Criteria: CeGaT Center For Human Genetics Tuebingen Variant Classification Criteria Version 2. Collection method: clinical testing. Allele origin: germline. Affected: yes. Observed: 34 variant alleles.
Comment: BRD4: BS1, BS2